The following is an entry in ClinVar:

ClinVar aggregate classification (germline): Uncertain significance. Review status: criteria provided, multiple submitters, no conflicts (2 of 4 stars). 2 submissions from 2 submitters: Uncertain significance (2). Last evaluated 2024-09-28.

Conditions:
Fanconi anemia (FA). Also called: Fanconi's anemia. Identifiers: Orphanet 84, MedGen C0015625, MeSH D005199, MONDO:0019391.

Submissions (2):

Labcorp Genetics (formerly Invitae), Labcorp
Classification: Uncertain significance for Fanconi anemia. Last evaluated: 2024-09-28. Review status: criteria provided, single submitter. Criteria: Invitae Variant Classification Sherloc (09022015). Collection method: clinical testing. Allele origin: germline.
Comment: This sequence change replaces glycine, which is neutral and non-polar, with alanine, which is neutral and non-polar, at codon 141 of the SLX4 protein (p.Gly141Ala). This variant is present in population databases (rs77306735, gnomAD 0.007%). This variant has not been reported in the literature in individuals affected with SLX4-related conditions. ClinVar contains an entry for this variant (Variation ID: 1336815). An algorithm developed to predict the effect of missense changes on protein structure and function outputs the following: PolyPhen-2: "Benign". The alanine amino acid residue is found in multiple mammalian species, which suggests that this missense change does not adversely affect protein function. In summary, the available evidence is currently insufficient to determine the role of this variant in disease. Therefore, it has been classified as a Variant of Uncertain Significance.

Genetic Services Laboratory, University of Chicago
Classification: Uncertain significance. Last evaluated: 2018-08-14. Review status: criteria provided, single submitter. Criteria: ACMG Guidelines, 2015. Collection method: clinical testing. Allele origin: germline. Affected: no.

NM_032444.4(SLX4):c.422G>C (p.Gly141Ala)

Gene: SLX4 (SLX4 structure-specific endonuclease subunit; minus strand). Cytogenetic location: 16p13.3.
Variant type: single nucleotide variant.
Coding change: c.422G>C on transcript NM_032444.4 (MANE Select); coding-DNA position 422, G replaced by C.
Protein change: p.Gly141Ala; replaces glycine 141 with alanine.
Molecular consequence: missense variant.
Genome position (GRCh38, 1-based): chr16:3,608,543, C>G on the plus strand (G>C on the coding strand, the complement: SLX4 is on the minus strand). VCF-style: chr16-3608543-C-G. GRCh37 (hg19) VCF-style: chr16-3658544-C-G.
Other names: short protein forms G141A.
Identifiers: ClinVar variation 1336815 (VCV001336815.6), dbSNP rs77306735, ClinGen allele CA7866880.